The following is an entry in ClinVar:

ClinVar aggregate classification (germline): Pathogenic/Likely pathogenic. Review status: criteria provided, multiple submitters, no conflicts (2 of 4 stars). 14 submissions from 14 submitters: Pathogenic (10); Likely pathogenic (2). 2 of the submissions do not count toward it. Last evaluated 2026-04-01.

Conditions:
Autosomal recessive severe congenital neutropenia due to CSF3R deficiency. Also called: Neutropenia, severe congenital, 7, autosomal recessive. Identifiers: Orphanet 420702, MedGen C4310764, MONDO:0014865, OMIM 617014.
Inherited Immunodeficiency Diseases. Identifiers: MedGen C5197805, MeSH D000081207.
Fanconi anaemia or Bloom syndrome.
CSF3R-Related Disorders.
Primary ciliary dyskinesia. Also called: Ciliary dyskinesia. Identifiers: Orphanet 244, MedGen C0008780, MONDO:0016575, HP:0012265.
CSF3R-related disorder. Also called: CSF3R-related condition.
Hereditary neutrophilia. Identifiers: Orphanet 279943, MedGen C0543669, MONDO:0008092, OMIM 162830.

Allele frequency attached by ClinVar (database versions not stated): ExAC 0.00024; 1000 Genomes Project 30x 0.00016; gnomAD 0.00026 and 0.00028; 1000 Genomes Project 0.00020; gnomAD exomes 0.00026; TOPMed 0.00031; ESP Exome Variant Server 0.00046.
gnomAD v4.1: 743 of 1,613,276 alleles (0.046%); highest among the groups gnomAD compares: Non-Finnish European, 0.06%; 1 homozygote.

Submissions (14):

Department of Human Genetics, Hannover Medical School
Classification: Likely pathogenic for Primary Ciliary Dyskinesia. Last evaluated: 2026-04-01. Review status: criteria provided, single submitter. Criteria: ACMG Guidelines, 2015. Collection method: research. Allele origin: germline. Affected: no.
Comment: Classification performed by HerediClassify using the following criteria:['PM2_supporting: Variant occures does not occur as homozygous in gnomAD.', 'BP4_protein_supporting: Variant is predicted to be benign by REVEL with evidence strength supporting meeting a threshold of 0.29 (value: 0.25).', 'PVS1_protein_very_strong: Transcript ENST00000373106 is predicted to undergo NMD.']

Labcorp Genetics (formerly Invitae), Labcorp
Classification: Pathogenic for Autosomal recessive severe congenital neutropenia due to CSF3R deficiency. Last evaluated: 2026-01-27. Review status: criteria provided, single submitter. Criteria: Invitae Variant Classification Sherloc (09022015). Collection method: clinical testing. Allele origin: germline.
Comment: This sequence change creates a premature translational stop signal (p.Trp547*) in the CSF3R gene. It is expected to result in an absent or disrupted protein product. Loss-of-function variants in CSF3R are known to be pathogenic (PMID: 24753537, 26324699). This variant is present in population databases (rs138156467, gnomAD 0.05%). This premature translational stop signal has been observed in individual(s) with autosomal recessive congenital neutropenia (PMID: 26324699). ClinVar contains an entry for this variant (Variation ID: 570920). For these reasons, this variant has been classified as Pathogenic.

Victorian Clinical Genetics Services, Murdoch Childrens Research Institute
Classification: Pathogenic for Autosomal recessive severe congenital neutropenia due to CSF3R deficiency. Last evaluated: 2025-05-20. Review status: criteria provided, single submitter. Criteria: ACMG Guidelines, 2015. Collection method: clinical testing. Allele origin: germline. Affected: yes.
Comment: This variant is classified as Pathogenic. Evidence in support of pathogenic classification: Variant is predicted to cause nonsense-mediated decay (NMD) and loss of protein (premature termination codon is located at least 54 nucleotides upstream of the final exon-exon junction); Variant is present in gnomAD <0.01 for a recessive condition (v4: 741 heterozygote(s), 1 homozygote(s)); This variant has strong previous evidence of pathogenicity in unrelated individuals. This variant has been classified as pathogenic or likely pathogenic by multiple clinical laboratories in ClinVar; Other NMD-predicted variant(s) comparable to the one identified in this case have very strong previous evidence for pathogenicity (DECIPHER). Additional information: This variant is heterozygous; This gene is associated with autosomal recessive disease; Loss of function is a known mechanism of disease in this gene and is associated with neutropenia, severe congenital, 7 (MIM#617014); Inheritance information for this variant is not currently available in this individual.

North West Genomic Laboratory Hub, Manchester University NHS Foundation Trust
Classification: Pathogenic for Fanconi anaemia or Bloom syndrome. Last evaluated: 2025-04-24. Review status: criteria provided, single submitter. Criteria: ACGS Best Practice Guidelines for Variant Classification in Rare Disease 2024. Collection method: clinical testing. Allele origin: germline. Affected: yes.
Comment: PM3_Mod PVS1_VStr

Variantyx, Inc.
Classification: Pathogenic for Autosomal recessive severe congenital neutropenia due to CSF3R deficiency. Last evaluated: 2025-03-24. Review status: criteria provided, single submitter. Criteria: Variantyx Assertion Criteria 2022. Collection method: clinical testing. Allele origin: germline. Inheritance: Autosomal recessive inheritance.
Comment: This is a nonsense variant in the CSF3R gene (OMIM: 138971). Pathogenic variants in this gene have been associated with autosomal recessive severe congenital neutropenia 7. This variant introduces a premature termination codon in exon 13 out of 17 and is expected to result in loss of function, which is a known disease mechanism for CSF3R in this disorder (PMID: 24753537, 26324699). A functional study shows that this variant leads to loss of function (PMID: 33108454). This variant has been reported in the compound heterozygous state in affected individuals in the published literature (PMID: 26324699, 32499645, 33108454). Based on the current evidence, this variant is classified as pathogenic for autosomal recessive severe congenital neutropenia 7.

Mayo Clinic Laboratories, Mayo Clinic
Classification: Pathogenic. Last evaluated: 2025-02-04. Review status: criteria provided, single submitter. Criteria: ACMG Guidelines, 2015. Collection method: clinical testing. Allele origin: germline. Observed: 2 variant alleles.
Comment: PP4, PM2_supporting, PM3, PS3_supporting, PVS1

Fulgent Genetics
Classification: Pathogenic for Hereditary neutrophilia; Autosomal recessive severe congenital neutropenia due to CSF3R deficiency. Last evaluated: 2024-05-24. Review status: criteria provided, single submitter. Criteria: ACMG Guidelines, 2015. Collection method: clinical testing. Allele origin: germline.

Women's Health and Genetics/Laboratory Corporation of America, LabCorp
Classification: Pathogenic for CSF3R-Related Disorders. Last evaluated: 2024-05-02. Review status: criteria provided, single submitter. Criteria: LabCorp Variant Classification Summary - May 2015. Collection method: clinical testing. Allele origin: germline.
Comment: Variant summary: CSF3R c.1640G>A (p.Trp547X) results in a premature termination codon, predicted to cause a truncation of the encoded protein or absence of the protein due to nonsense mediated decay, which are commonly known mechanisms for disease. The variant allele was found at a frequency of 0.00026 in 250056 control chromosomes. c.1640G>A has been reported in the literature in at least one compound heterozygous individuals affected with congenital neutropenia (e.g. Klimiankou_2015). To our knowledge, no experimental evidence demonstrating an impact on protein function has been reported. The following publication has been ascertained in the context of this evaluation (PMID: 26324699). ClinVar contains an entry for this variant (Variation ID: 570920). Based on the evidence outlined above, the variant was classified as pathogenic.

Blueprint Genetics
Classification: Pathogenic for CSF3R-related disorders. Last evaluated: 2023-09-26. Review status: criteria provided, single submitter. Criteria: ACMG Guidelines, 2015. Collection method: clinical testing. Allele origin: germline. Affected: yes. Observed: 5 variant alleles.

GeneDx
Classification: Pathogenic. Last evaluated: 2023-05-15. Review status: criteria provided, single submitter. Criteria: GeneDx Variant Classification Process June 2021. Collection method: clinical testing. Allele origin: germline. Affected: yes.
Comment: Identified in the heterozygous state in the published literature in patients with myelodysplasic syndrome, but additional clinical information was not provided (Trottier et al., 2019; Trottier et al., 2020; Feurstein et al., 2021); Published functional studies demonstrate loss of function of the gene product (Trottier et al., 2020); Nonsense variant predicted to result in protein truncation or nonsense mediated decay in a gene for which loss of function is a known mechanism of disease; This variant is associated with the following publications: (PMID: 32499645, 32888494, 33108454, 35178734, 31345219, 34778134, 33510405, 32966608, 26324699)

Genetic Services Laboratory, University of Chicago
Classification: Pathogenic. Last evaluated: 2021-04-12. Review status: criteria provided, single submitter. Criteria: ACMG Guidelines, 2015. Collection method: clinical testing. Allele origin: germline. Affected: yes.
Comment: DNA sequence analysis of the CSF3R gene demonstrated a sequence change, c.1640G>A, which results in the creation of a premature stop codon at amino acid position 547, p.Trp547*. This sequence change is predicted to result in an abnormal transcript, which may be degraded, or may lead to the production of a truncated CSF3R protein with potentially abnormal function. This sequence change was identified in a compound heterozygous state with a second splice site pathogenic variant in a patient with congenital neutropenia (CN) (PMID: 26324699). Loss-of-function variants in CSF3R have been reported in patients with neutropenia (PMID: 24753537, 26324699).

NIHR Bioresource Rare Diseases, University of Cambridge
Classification: Likely pathogenic for Inherited Immunodeficiency Diseases. Last evaluated: 2019-01-01. Review status: criteria provided, single submitter. Criteria: ACMG Guidelines, 2015. Collection method: research. Allele origin: germline. Affected: yes. Observed: 1 heterozygote.

PreventionGenetics, part of Exact Sciences
Classification: Likely pathogenic for CSF3R-related condition. Last evaluated: 2024-07-17. Review status: no assertion criteria provided. Collection method: clinical testing. Allele origin: germline. Not counted in ClinVar's aggregate classification.
Comment: The CSF3R c.1640G>A variant is predicted to result in premature protein termination (p.Trp547*). This variant has been reported in the compound heterozygous state in a patient with congenital neutropenia (Klimiankou et al. 2015. PubMed ID: 26324699) and also in a patient with history of bladder cancer who developed therapy-related myelodysplastic syndrome (Trottier et al. 2019., DOI 10.1182/blood-2019-129492). This variant is reported in 0.051% of alleles in individuals of European (non-Finnish) descent in gnomAD. Nonsense variants in CSF3R are expected to be pathogenic. This variant is interpreted as likely pathogenic.

OMIM
Classification: Pathogenic for NEUTROPENIA, SEVERE CONGENITAL, 7, AUTOSOMAL RECESSIVE. Last evaluated: 2016-07-05. Review status: no assertion criteria provided. Collection method: literature only. Allele origin: germline. Not counted in ClinVar's aggregate classification.

Literature cited by the submitters: PubMed 24753537 (cited by Labcorp Genetics (formerly Invitae), Labcorp and Variantyx, Inc.); PubMed 26324699 (cited by 5 submitters); PubMed 33108454 (cited by Variantyx, Inc. and Mayo Clinic Laboratories, Mayo Clinic); PubMed 32499645 (cited by Variantyx, Inc. and Mayo Clinic Laboratories, Mayo Clinic); PubMed 31345219 (cited by Mayo Clinic Laboratories, Mayo Clinic); PubMed 31589614 (cited by Mayo Clinic Laboratories, Mayo Clinic); PubMed 32888494 (cited by Mayo Clinic Laboratories, Mayo Clinic); PubMed 32966608 (cited by Mayo Clinic Laboratories, Mayo Clinic); PubMed 33510405 (cited by Mayo Clinic Laboratories, Mayo Clinic); PubMed 34778134 (cited by Mayo Clinic Laboratories, Mayo Clinic); PubMed 35178734 (cited by Mayo Clinic Laboratories, Mayo Clinic).

NM_000760.4(CSF3R):c.1640G>A (p.Trp547Ter)

Gene: CSF3R (colony stimulating factor 3 receptor; minus strand). Cytogenetic location: 1p34.3.
Variant type: single nucleotide variant.
Coding change: c.1640G>A on transcript NM_000760.4 (MANE Select); coding-DNA position 1640, G replaced by A.
Protein change: p.Trp547Ter; replaces tryptophan 547 with a stop codon.
Molecular consequence: nonsense.
Genome position (GRCh38, 1-based): chr1:36,468,158, C>T on the plus strand (G>A on the coding strand, the complement: CSF3R is on the minus strand). VCF-style: chr1-36468158-C-T. GRCh37 (hg19) VCF-style: chr1-36933759-C-T.
Other names: p.Trp547*; c.1640G>A, p.Trp547Ter (LRG_144t1, NM_156039.3, NM_172313.3); short protein forms W547*.
Identifiers: ClinVar variation 570920 (VCV000570920.31), dbSNP rs138156467, ClinGen allele CA769126.